The following is an entry in ClinVar:

NM_021728.4(OTX2):c.286A>T (p.Asn96Tyr)

Gene: OTX2 (orthodenticle homeobox 2; minus strand). Cytogenetic location: 14q22.3.
Variant type: single nucleotide variant.
Coding change: c.286A>T on transcript NM_021728.4 (MANE Select); coding-DNA position 286, A replaced by T.
Protein change: p.Asn96Tyr; replaces asparagine 96 with tyrosine.
Molecular consequence: missense variant. On other transcripts: non-coding transcript variant (2).
Genome position (GRCh38, 1-based): chr14:56,802,343, T>A on the plus strand (A>T on the coding strand, the complement: OTX2 is on the minus strand). VCF-style: chr14-56802343-T-A. GRCh37 (hg19) VCF-style: chr14-57269061-T-A.
Other names: c.262A>T, p.Asn88Tyr (NM_001270523.2, NM_001270524.2, NM_172337.3); c.286A>T, p.Asn96Tyr (NM_001270525.2); short protein forms N96Y, N88Y.
Identifiers: ClinVar variation 1348323 (VCV001348323.8), dbSNP rs2139529387, ClinGen allele CA390052184.

ClinVar aggregate classification (germline): Uncertain significance (1 of 4 stars; one submission).

Conditions:
Anophthalmia-microphthalmia syndrome. Also called: Anophthalmia/Microphthalmia; Anophthalmia - microphthalmia. Identifiers: Orphanet 98555, MedGen C5680330, MONDO:0020147.

Submission:

Labcorp Genetics (formerly Invitae), Labcorp
Classification: Uncertain significance for Anophthalmia-microphthalmia syndrome. Last evaluated: 2025-03-17. Review status: criteria provided, single submitter. Criteria: Invitae Variant Classification Sherloc (09022015). Collection method: clinical testing. Allele origin: germline.
Comment: This sequence change replaces asparagine, which is neutral and polar, with tyrosine, which is neutral and polar, at codon 88 of the OTX2 protein (p.Asn88Tyr). This variant is not present in population databases (gnomAD no frequency). This variant has not been reported in the literature in individuals affected with OTX2-related conditions. ClinVar contains an entry for this variant (Variation ID: 1348323). An algorithm developed to predict the effect of missense changes on protein structure and function (PolyPhen-2) suggests that this variant is likely to be disruptive. In summary, the available evidence is currently insufficient to determine the role of this variant in disease. Therefore, it has been classified as a Variant of Uncertain Significance.